The following is an entry in ClinVar:

ClinVar aggregate classification (germline): Uncertain significance (1 of 4 stars; one submission).

Conditions:
Oto-palato-digital syndrome, type II (OPD2). Also called: FACIOPALATOOSSEOUS SYNDROME; OPD II SYNDROME; Otopalatodigital Syndrome, Type II; Otopalatodigital Syndrome Type 2 (FLNA-OPD2). Identifiers: Orphanet 669, Orphanet 90652, MedGen C1844696, MONDO:0010571, OMIM 304120.
Heterotopia, periventricular, X-linked dominant (PVNH1). Also called: PERIVENTRICULAR NODULAR HETEROTOPIA 1; X-linked periventricular heterotopia; PERIVENTRICULAR NODULAR HETEROTOPIA 4; HETEROTOPIA, PERIVENTRICULAR, 1. Identifiers: Orphanet 2149, Orphanet 82004, MedGen C1848213, MONDO:0010233, OMIM 300049.
Frontometaphyseal dysplasia (FMD1). Identifiers: Orphanet 1826, MedGen C0265293, MONDO:0015942.
Melnick-Needles syndrome (MNS). Also called: MELNICK-NEEDLES OSTEODYSPLASTY; OSTEODYSPLASTY OF MELNICK AND NEEDLES; Melnick-Needles Syndrome (FLNA-MNS). Identifiers: Orphanet 2484, MedGen C0025237, MONDO:0010650, OMIM 309350.

Submission:

Labcorp Genetics (formerly Invitae), Labcorp
Classification: Uncertain significance for Oto-palato-digital syndrome, type II; Heterotopia, periventricular, X-linked dominant; Frontometaphyseal dysplasia; Melnick-Needles syndrome. Last evaluated: 2023-07-22. Review status: criteria provided, single submitter. Criteria: Invitae Variant Classification Sherloc (09022015). Collection method: clinical testing. Allele origin: germline.
Comment: This sequence change replaces valine, which is neutral and non-polar, with leucine, which is neutral and non-polar, at codon 1207 of the FLNA protein (p.Val1207Leu). This variant is not present in population databases (gnomAD no frequency). This variant has not been reported in the literature in individuals affected with FLNA-related conditions. Advanced modeling of protein sequence and biophysical properties (such as structural, functional, and spatial information, amino acid conservation, physicochemical variation, residue mobility, and thermodynamic stability) performed at Invitae indicates that this missense variant is not expected to disrupt FLNA protein function. In summary, the available evidence is currently insufficient to determine the role of this variant in disease. Therefore, it has been classified as a Variant of Uncertain Significance.

NM_001110556.2(FLNA):c.3619G>T (p.Val1207Leu)

Gene: FLNA (filamin A; minus strand). Cytogenetic location: Xq28.
Variant type: single nucleotide variant.
Coding change: c.3619G>T on transcript NM_001110556.2 (MANE Select); coding-DNA position 3619, G replaced by T.
Protein change: p.Val1207Leu; replaces valine 1207 with leucine.
Molecular consequence: missense variant.
Genome position (GRCh38, 1-based): chrX:154,360,176, C>A on the plus strand (G>T on the coding strand, the complement: FLNA is on the minus strand). VCF-style: chrX-154360176-C-A. GRCh37 (hg19) VCF-style: chrX-153588544-C-A.
Other names: c.3619G>T, p.Val1207Leu (NM_001456.4); short protein forms V1207L.
Identifiers: ClinVar variation 2943475 (VCV002943475.3), dbSNP rs2522740769, ClinGen allele CA415223918.